The following is an entry in ClinVar:

ClinVar aggregate classification (germline): Uncertain significance (1 of 4 stars; one submission).

Conditions:
Familial cancer of breast. Also called: BREAST CANCER, FAMILIAL; Hereditary breast cancer; hereditary breast carcinoma. Identifiers: Orphanet 227535, MedGen C0346153, MONDO:0016419, OMIM 114480. Disease mechanism: loss of function.

Submission:

Labcorp Genetics (formerly Invitae), Labcorp
Classification: Uncertain significance for Familial cancer of breast. Last evaluated: 2023-06-29. Review status: criteria provided, single submitter. Criteria: Invitae Variant Classification Sherloc (09022015). Collection method: clinical testing. Allele origin: unknown.
Comment: In summary, the available evidence is currently insufficient to determine the role of this variant in disease. Therefore, it has been classified as a Variant of Uncertain Significance. This variant has not been reported in the literature in individuals affected with BARD1-related conditions. This variant results in a copy number gain of the genomic region encompassing exon(s) 4-11 of the BARD1 gene. This region includes the termination codon of the gene. This copy number gain extends beyond the assayed region for this gene and therefore may encompass additional genes. As the precise location of this event is unknown, it may be in tandem or it may be located elsewhere in the genome.

NC_000002.11:g.(?_215593400)_(215646243_?)dup

Gene: BARD1 (BRCA1 associated RING domain 1; minus strand). Cytogenetic location: 2q35.
Variant type: Duplication.
Identifiers: ClinVar variation 3247180 (VCV003247180.1).